The following is an entry in ClinVar:

NM_017755.6(NSUN2):c.2282C>A (p.Ala761Glu)

Gene: NSUN2 (NOP2/Sun RNA methyltransferase 2; minus strand). Cytogenetic location: 5p15.31.
Variant type: single nucleotide variant.
Coding change: c.2282C>A on transcript NM_017755.6 (MANE Select); coding-DNA position 2282, C replaced by A.
Protein change: p.Ala761Glu; replaces alanine 761 with glutamic acid.
Molecular consequence: missense variant. On other transcripts: non-coding transcript variant (1).
Genome position (GRCh38, 1-based): chr5:6,599,948, G>T on the plus strand (C>A on the coding strand, the complement: NSUN2 is on the minus strand). VCF-style: chr5-6599948-G-T. GRCh37 (hg19) VCF-style: chr5-6600061-G-T.
Other names: c.2177C>A, p.Ala726Glu (NM_001193455.2); short protein forms A761E, A726E.
Identifiers: ClinVar variation 588600 (VCV000588600.5), dbSNP rs375624381, ClinGen allele CA359128055.

ClinVar aggregate classification (germline): Uncertain significance (1 of 4 stars; one submission).

Conditions:
Inborn genetic diseases. Identifiers: MedGen C0950123, MeSH D030342.

Submission:

Ambry Genetics
Classification: Uncertain significance for Inborn genetic diseases. Last evaluated: 2016-12-27. Review status: criteria provided, single submitter. Criteria: Ambry Variant Classification Scheme 2023. Collection method: clinical testing. Allele origin: germline.
Comment: The p.A761E variant (also known as c.2282C>A), located in coding exon 19 of the NSUN2 gene, results from a C to A substitution at nucleotide position 2282. The alanine at codon 761 is replaced by glutamic acid, an amino acid with dissimilar properties. This amino acid position is not well conserved in available vertebrate species. In addition, this alteration is predicted to be tolerated by in silico analysis. Since supporting evidence is limited at this time, the clinical significance of this variant remains unclear.